The following is an entry in ClinVar:

ClinVar aggregate classification (germline): Uncertain significance (1 of 4 stars; one submission).

Conditions:
Inborn genetic diseases. Identifiers: MedGen C0950123, MeSH D030342.

Submission:

Ambry Genetics
Classification: Uncertain significance for Inborn genetic diseases. Last evaluated: 2026-02-19. Review status: criteria provided, single submitter. Criteria: Ambry Variant Classification Scheme 2023. Collection method: clinical testing. Allele origin: germline.
Comment: The p.K231R variant (also known as c.692A>G), located in coding exon 5 of the SBDS gene, results from an A to G substitution at nucleotide position 692. The lysine at codon 231 is replaced by arginine, an amino acid with highly similar properties. This amino acid position is conserved. In addition, this alteration is predicted to be tolerated by in silico analysis. Based on the available evidence, the clinical significance of this variant remains unclear.

NM_016038.4(SBDS):c.692A>G (p.Lys231Arg)

Gene: SBDS (SBDS ribosome maturation factor; minus strand). Cytogenetic location: 7q11.21.
Variant type: single nucleotide variant.
Coding change: c.692A>G on transcript NM_016038.4 (MANE Select); coding-DNA position 692, A replaced by G.
Protein change: p.Lys231Arg; replaces lysine 231 with arginine.
Molecular consequence: missense variant.
Genome position (GRCh38, 1-based): chr7:66,988,432, T>C on the plus strand (A>G on the coding strand, the complement: SBDS is on the minus strand). VCF-style: chr7-66988432-T-C. GRCh37 (hg19) VCF-style: chr7-66453419-T-C.
Other names: short protein forms K231R.
Identifiers: ClinVar variation 4824668 (VCV004824668.1).
Genomic context (GRCh38, chr7:66,988,432, plus strand): 5'-CATTCAAATTTCTCATCTCCTTCTTCTACATCTTTCAGATTGAGTACTTCCAAAGAACCT[T>C]TGCCTTTAGTTTCCTTTTTTATTAGCTCATCAATTTCTCGGAAGCAGCCCGGGTCAATCA-3'
Protein context (NP_057122.2, residues 221-241): DELIKKETKG[Lys231Arg]GSLEVLNLKD